The following is an entry in ClinVar:

NM_000093.5(COL5A1):c.182T>C (p.Phe61Ser)

Gene: COL5A1 (collagen type V alpha 1 chain; plus strand). Cytogenetic location: 9q34.3.
Variant type: single nucleotide variant.
Coding change: c.182T>C on transcript NM_000093.5 (MANE Select); coding-DNA position 182, T replaced by C.
Protein change: p.Phe61Ser; replaces phenylalanine 61 with serine.
Molecular consequence: missense variant.
Genome position (GRCh38, 1-based): chr9:134,690,984, T>C. VCF-style: chr9-134690984-T-C. GRCh37 (hg19) VCF-style: chr9-137582830-T-C.
Other names: c.182T>C, p.Phe61Ser (NM_001278074.1); short protein forms F61S.
Identifiers: ClinVar variation 4801875 (VCV004801875.1).

ClinVar aggregate classification (germline): Uncertain significance (1 of 4 stars; one submission).

Conditions:
Ehlers-Danlos syndrome, classic type, 1 (EDSCL1). Also called: EHLERS-DANLOS SYNDROME, GRAVIS TYPE; EHLERS-DANLOS SYNDROME, SEVERE CLASSIC TYPE; Ehlers-Danlos syndrome, type 1; Ehlers-Danlos Syndrome, Classic Type, COL5A1-Related; EDS I. Identifiers: MedGen C0268335, MONDO:0019567, OMIM 130000.

Submission:

Labcorp Genetics (formerly Invitae), Labcorp
Classification: Uncertain significance for Ehlers-Danlos syndrome, classic type, 1. Last evaluated: 2025-04-17. Review status: criteria provided, single submitter. Criteria: Invitae Variant Classification Sherloc (09022015). Collection method: clinical testing. Allele origin: germline.
Comment: This sequence change replaces phenylalanine, which is neutral and non-polar, with serine, which is neutral and polar, at codon 61 of the COL5A1 protein (p.Phe61Ser). This variant is not present in population databases (gnomAD no frequency). This variant has not been reported in the literature in individuals affected with COL5A1-related conditions. Invitae Evidence Modeling of protein sequence and biophysical properties (such as structural, functional, and spatial information, amino acid conservation, physicochemical variation, residue mobility, and thermodynamic stability) indicates that this missense variant is not expected to disrupt COL5A1 protein function with a negative predictive value of 95%. In summary, the available evidence is currently insufficient to determine the role of this variant in disease. Therefore, it has been classified as a Variant of Uncertain Significance.